The following is an entry in ClinVar:

NM_206933.4(USH2A):c.12781G>A (p.Ala4261Thr)

Gene: USH2A (usherin; minus strand). Cytogenetic location: 1q41.
Variant type: single nucleotide variant.
Coding change: c.12781G>A on transcript NM_206933.4 (MANE Select); coding-DNA position 12781, G replaced by A.
Protein change: p.Ala4261Thr; replaces alanine 4261 with threonine.
Molecular consequence: missense variant.
Genome position (GRCh38, 1-based): chr1:215,675,130, C>T on the plus strand (G>A on the coding strand, the complement: USH2A is on the minus strand). VCF-style: chr1-215675130-C-T. GRCh37 (hg19) VCF-style: chr1-215848472-C-T.
Other names: short protein forms A4261T.
Identifiers: ClinVar variation 2163539 (VCV002163539.4), dbSNP rs2464898495, ClinGen allele CA344849153.

ClinVar aggregate classification (germline): Uncertain significance (1 of 4 stars; one submission).

Allele frequency attached by ClinVar (database versions not stated): gnomAD exomes below 0.00001.
gnomAD v4.1: 1 of 1,614,076 alleles (0.000062%); highest among the groups gnomAD compares: Non-Finnish European, 0.000085%; no homozygotes.

Submission:

Labcorp Genetics (formerly Invitae), Labcorp
Classification: Uncertain significance. Last evaluated: 2024-01-11. Review status: criteria provided, single submitter. Criteria: Invitae Variant Classification Sherloc (09022015). Collection method: clinical testing. Allele origin: germline.
Comment: This sequence change replaces alanine, which is neutral and non-polar, with threonine, which is neutral and polar, at codon 4261 of the USH2A protein (p.Ala4261Thr). This variant is not present in population databases (gnomAD no frequency). This missense change has been observed in individual(s) with retinitis pigmentosa (Invitae). ClinVar contains an entry for this variant (Variation ID: 2163539). Advanced modeling of protein sequence and biophysical properties (such as structural, functional, and spatial information, amino acid conservation, physicochemical variation, residue mobility, and thermodynamic stability) has been performed at Invitae for this missense variant, however the output from this modeling did not meet the statistical confidence thresholds required to predict the impact of this variant on USH2A protein function. In summary, the available evidence is currently insufficient to determine the role of this variant in disease. Therefore, it has been classified as a Variant of Uncertain Significance.